The following is an entry in ClinVar:

ClinVar aggregate classification (germline): Pathogenic (1 of 4 stars; one submission).

Conditions:
Landau-Kleffner syndrome (FESD). Also called: EPILEPSY, FOCAL, WITH SPEECH DISORDER AND WITH OR WITHOUT MENTAL RETARDATION; APHASIA, ACQUIRED, WITH EPILEPSY. Identifiers: Orphanet 1945, Orphanet 725, Orphanet 98818, MedGen C0282512, MONDO:0009509, OMIM 245570.

Submission:

Labcorp Genetics (formerly Invitae), Labcorp
Classification: Pathogenic for Landau-Kleffner syndrome. Last evaluated: 2025-05-11. Review status: criteria provided, single submitter. Criteria: Invitae Variant Classification Sherloc (09022015). Collection method: clinical testing. Allele origin: germline.
Comment: This sequence change creates a premature translational stop signal (p.Gln710Leufs*6) in the GRIN2A gene. It is expected to result in an absent or disrupted protein product. Loss-of-function variants in GRIN2A are known to be pathogenic (PMID: 23933819, 23933820). This variant is not present in population databases (gnomAD no frequency). This variant has not been reported in the literature in individuals affected with GRIN2A-related conditions. Algorithms developed to predict the effect of sequence changes on RNA splicing suggest that this variant may disrupt the consensus splice site. For these reasons, this variant has been classified as Pathogenic.

Literature cited by the submitters: PubMed 23933819; PubMed 23933820.

NM_001134407.3(GRIN2A):c.2123_2127dup (p.Gln710fs)

Gene: GRIN2A (glutamate ionotropic receptor NMDA type subunit 2A; minus strand). Cytogenetic location: 16p13.2.
Variant type: Duplication.
Coding change: c.2123_2127dup on transcript NM_001134407.3 (MANE Select); coding-DNA positions 2123 to 2127, 5 bases duplicated (TTAAT; older notation c.2123_2127dupTTAAT).
Protein change: p.Gln710fs; shifts the reading frame from glutamine 710.
Molecular consequence: frameshift variant.
Genome position (GRCh38, 1-based): chr16:9,822,305-9,822,309, ATTAA duplicated on the plus strand (TTAAT on the coding strand, the reverse complement: GRIN2A is on the minus strand); duplicating any 5 consecutive bases within chr16:9,822,305-9,822,312 gives the same sequence; the c. name uses the placement nearest the transcript's 3' end. VCF-style (leftmost placement, unchanged base first): chr16-9822304-G-GATTAA. GRCh37 (hg19) VCF-style: chr16-9916161-G-GATTAA.
Other names: c.2123_2127dup, p.Gln710fs (NM_000833.5, NM_001134408.2); short protein forms Q710fs.
Identifiers: ClinVar variation 4719348 (VCV004719348.1).